The following is an entry in ClinVar:

NM_000552.5(VWF):c.1513C>T (p.Arg505Cys)

Gene: VWF (von Willebrand factor; minus strand). Cytogenetic location: 12p13.31.
Variant type: single nucleotide variant.
Coding change: c.1513C>T on transcript NM_000552.5 (MANE Select); coding-DNA position 1513, C replaced by T.
Protein change: p.Arg505Cys; replaces arginine 505 with cysteine.
Molecular consequence: missense variant.
Genome position (GRCh38, 1-based): chr12:6,062,974, G>A on the plus strand (C>T on the coding strand, the complement: VWF is on the minus strand). VCF-style: chr12-6062974-G-A. GRCh37 (hg19) VCF-style: chr12-6172140-G-A.
Other names: c.1513C>T (NM_000552.3); short protein forms R505C.
Identifiers: ClinVar variation 3766952 (VCV003766952.2).
Genomic context (GRCh38, chr12:6,062,974, plus strand): 5'-GTCGGGCCGCAGGGAGCCAGTACCCCGTGAGGGCACCTACCTTCACCAGCAGCCTCCCGC[G>A]GCCATCCCAGTCCATCTGCAGGTCCTCCCCGTAGCTGAGGCGCACGGAGGCCGTCACTGT-3'
Protein context (NP_000543.3, residues 495-515): GEDLQMDWDG[Arg505Cys]GRLLVKLSPV

ClinVar aggregate classification (germline): Uncertain significance. Review status: criteria provided, multiple submitters, no conflicts (2 of 4 stars). 2 submissions from 2 submitters: Uncertain significance (2). Last evaluated 2025-11-02.

Conditions:
Inborn genetic diseases. Identifiers: MedGen C0950123, MeSH D030342.

gnomAD v4.1: 17 of 1,612,912 alleles (0.0011%); highest among the groups gnomAD compares: African/African-American, 0.0027%; no homozygotes.

Submissions (2):

Ambry Genetics
Classification: Uncertain significance for Inborn genetic diseases. Last evaluated: 2025-11-02. Review status: criteria provided, single submitter. Criteria: Ambry Variant Classification Scheme 2023. Collection method: clinical testing. Allele origin: germline.

ARUP Laboratories, Molecular Genetics and Genomics, ARUP Laboratories
Classification: Uncertain significance. Last evaluated: 2024-11-01. Review status: criteria provided, single submitter. Criteria: ARUP Molecular Germline Variant Investigation Process 2024. Collection method: clinical testing. Allele origin: germline.
Comment: The VWF c.1513C>T; p.Arg505Cys variant (rs776211220), to our knowledge, is not reported in the medical literature or gene specific databases. This variant is only observed on one allele in the Genome Aggregation Database (v2.1.1), indicating it is not a common polymorphism. Computational analyses are uncertain whether this variant is neutral or deleterious (REVEL: 0.354). Due to limited information, the clinical significance of this variant is uncertain at this time.